The following is an entry in ClinVar:

ClinVar aggregate classification (germline): Conflicting classifications of pathogenicity. Review status: criteria provided, conflicting classifications (1 of 4 stars). 3 submissions from 3 submitters: Uncertain significance (1); Likely benign (2). Last evaluated 2025-08-09.

Conditions:
Oligodontia-cancer predisposition syndrome. Also called: TOOTH AGENESIS-COLORECTAL CANCER SYNDROME. Identifiers: Orphanet 300576, MedGen C1837750, MONDO:0012075, OMIM 608615. Disease mechanism: loss of function.
Hereditary cancer-predisposing syndrome. Also called: Neoplastic Syndromes, Hereditary; Hereditary neoplastic syndrome; Tumor predisposition; Hereditary Cancer Syndrome. Identifiers: Orphanet 140162, MedGen C0027672, MeSH D009386, MONDO:0015356.

Allele frequency attached by ClinVar (database versions not stated): gnomAD exomes below 0.00001.
gnomAD v4.1: 2 of 1,613,280 alleles (0.00012%); highest among the groups gnomAD compares: Non-Finnish European, 0.00017%; no homozygotes.

Submissions (3):

Labcorp Genetics (formerly Invitae), Labcorp
Classification: Likely benign for Oligodontia-cancer predisposition syndrome. Last evaluated: 2025-08-09. Review status: criteria provided, single submitter. Criteria: Invitae Variant Classification Sherloc (09022015). Collection method: clinical testing. Allele origin: germline.

GeneDx
Classification: Uncertain significance. Last evaluated: 2023-12-30. Review status: criteria provided, single submitter. Criteria: GeneDx Variant Classification Process June 2021. Collection method: clinical testing. Allele origin: germline. Affected: yes.
Comment: Not observed at significant frequency in large population cohorts (gnomAD); In silico analysis supports that this variant does not alter splicing; Has not been previously published as pathogenic or benign to our knowledge

Ambry Genetics
Classification: Likely benign for Hereditary cancer-predisposing syndrome. Last evaluated: 2019-06-28. Review status: criteria provided, single submitter. Criteria: Ambry Variant Classification Scheme 2023. Collection method: clinical testing. Allele origin: germline.

NM_004655.4(AXIN2):c.1899G>A (p.Lys633=)

Gene: AXIN2 (axin 2; minus strand). Cytogenetic location: 17q24.1.
Variant type: single nucleotide variant.
Coding change: c.1899G>A on transcript NM_004655.4 (MANE Select); coding-DNA position 1899, G replaced by A.
Protein change: p.Lys633=; no amino-acid change (lysine 633 retained).
Molecular consequence: synonymous variant. On other transcripts: intron variant (1).
Genome position (GRCh38, 1-based): chr17:65,536,877, C>T on the plus strand (G>A on the coding strand, the complement: AXIN2 is on the minus strand). VCF-style: chr17-65536877-C-T. GRCh37 (hg19) VCF-style: chr17-63532995-C-T.
Other names: c.1713-324G>A (NM_001363813.1).
Identifiers: ClinVar variation 798122 (VCV000798122.14), dbSNP rs150557228, ClinGen allele CA501691044.
Genomic context (GRCh38, chr17:65,536,877, plus strand): 5'-GTACTGAGTGCCCATGACCCTCGCGGCCGCGGCGGCGGCAAGCGGTGTTTACCTATGGGG[C>T]TTGGGCTTGCTCTGCCGCTCACTCTCCAGCATCCACTGCCAGACATCCTGCGACCTGTCT-3'
Protein context (NP_004646.3, residues 623-643): MLESERQSKP[Lys633=]PHSAQSTKKA